The following is an entry in ClinVar:

NM_201384.3(PLEC):c.7006A>C (p.Lys2336Gln)

Gene: PLEC (plectin; minus strand). Cytogenetic location: 8q24.3.
Variant type: single nucleotide variant.
Coding change: c.7006A>C on transcript NM_201384.3 (MANE Select); coding-DNA position 7006, A replaced by C.
Protein change: p.Lys2336Gln; replaces lysine 2336 with glutamine.
Molecular consequence: missense variant. On other transcripts: intron variant (1).
Genome position (GRCh38, 1-based): chr8:143,922,923, T>G on the plus strand (A>C on the coding strand, the complement: PLEC is on the minus strand). VCF-style: chr8-143922923-T-G. GRCh37 (hg19) VCF-style: chr8-144997091-T-G.
Other names: c.7087A>C, p.Lys2363Gln (NM_000445.5); c.6964A>C, p.Lys2322Gln (NM_201378.4); c.6940A>C, p.Lys2314Gln (NM_201379.3); c.7417A>C, p.Lys2473Gln (NM_201380.4); c.6910A>C, p.Lys2304Gln (NM_201381.3); c.7006A>C, p.Lys2336Gln (NM_201382.4); c.7018A>C, p.Lys2340Gln (NM_201383.3); c.4126-528A>C (NM_001410941.1); short protein forms K2304Q, K2322Q, K2340Q, K2473Q, K2314Q, K2336Q, K2363Q.
Identifiers: ClinVar variation 4783455 (VCV004783455.1).

ClinVar aggregate classification (germline): Uncertain significance (1 of 4 stars; one submission).

Conditions:
Epidermolysis bullosa simplex with nail dystrophy (EBS5D). Identifiers: MedGen C4225309, MONDO:0014661, OMIM 616487.
Epidermolysis bullosa simplex, Ogna type (EBS5A). Also called: Pidermolysis bullosa simplex 5A, Ogna type; EPIDERMOLYSIS BULLOSA SIMPLEX 5A, OGNA TYPE. Identifiers: Orphanet 79401, MedGen C0432317, MONDO:0007555, OMIM 131950.
Epidermolysis bullosa simplex 5B, with muscular dystrophy (EBS5B). Also called: Epidermolysis bullosa simplex with muscular dystrophy; EPIDERMOLYSIS BULLOSA SIMPLEX AND LIMB-GIRDLE MUSCULAR DYSTROPHY. Identifiers: Orphanet 257, MedGen C2931072, MONDO:0009181, OMIM 226670.
Autosomal recessive limb-girdle muscular dystrophy type 2Q (LGMDR17). Also called: MUSCULAR DYSTROPHY, LIMB-GIRDLE, AUTOSOMAL RECESSIVE 17. Identifiers: Orphanet 254361, MedGen C3150989, MONDO:0013390, OMIM 613723.
Epidermolysis bullosa simplex 5C, with pyloric atresia (EBS5C). Also called: PLEC-Related Epidermolysis Bullosa with Pyloric Atresia; Epidermolysis bullosa simplex with pyloric atresia; PLEC1-Related Epidermolysis Bullosa with Pyloric Atresia. Identifiers: Orphanet 158684, MedGen C2677349, MONDO:0012807, OMIM 612138.

gnomAD v4.1: 45 of 1,601,966 alleles (0.0028%); highest among the groups gnomAD compares: Non-Finnish European, 0.0038%; no homozygotes.

Submission:

Labcorp Genetics (formerly Invitae), Labcorp
Classification: Uncertain significance for Autosomal recessive limb-girdle muscular dystrophy type 2Q; Epidermolysis bullosa simplex, Ogna type; Epidermolysis bullosa simplex with nail dystrophy; Epidermolysis bullosa simplex 5C, with pyloric atresia; Epidermolysis bullosa simplex 5B, with muscular dystrophy. Last evaluated: 2025-03-13. Review status: criteria provided, single submitter. Criteria: Invitae Variant Classification Sherloc (09022015). Collection method: clinical testing. Allele origin: germline.
Comment: This sequence change replaces lysine, which is basic and polar, with glutamine, which is neutral and polar, at codon 2363 of the PLEC protein (p.Lys2363Gln). This variant is present in population databases (rs370272717, gnomAD 0.003%). This variant has not been reported in the literature in individuals affected with PLEC-related conditions. An algorithm developed to predict the effect of missense changes on protein structure and function (PolyPhen-2) suggests that this variant is likely to be disruptive. In summary, the available evidence is currently insufficient to determine the role of this variant in disease. Therefore, it has been classified as a Variant of Uncertain Significance.